The following is an entry in ClinVar:

ClinVar aggregate classification (germline): Benign/Likely benign. Review status: criteria provided, multiple submitters, no conflicts (2 of 4 stars). 3 submissions from 3 submitters: Benign (1); Likely benign (1). 1 of the submissions does not count toward it. Last evaluated 2026-01-28.

Conditions:
KMT2A-related disorder. Also called: KMT2A-related condition.

Allele frequency attached by ClinVar (database versions not stated): gnomAD 0.00051; ExAC 0.00059; TOPMed 0.00032; 1000 Genomes Project 0.00040; 1000 Genomes Project 30x 0.00047; gnomAD exomes 0.00063.
gnomAD v4.1: 265 of 1,598,984 alleles (0.017%); highest among the groups gnomAD compares: East Asian, 0.46%; 4 homozygotes.

Submissions (3):

Labcorp Genetics (formerly Invitae), Labcorp
Classification: Benign. Last evaluated: 2026-01-28. Review status: criteria provided, single submitter. Criteria: Invitae Variant Classification Sherloc (09022015). Collection method: clinical testing. Allele origin: germline.

Blueprint Genetics
Classification: Likely benign. Last evaluated: 2023-06-07. Review status: criteria provided, single submitter. Criteria: ACMG Guidelines, 2015. Collection method: clinical testing. Allele origin: germline.

PreventionGenetics, part of Exact Sciences
Classification: Benign for KMT2A-related condition. Last evaluated: 2019-12-24. Review status: no assertion criteria provided. Collection method: clinical testing. Allele origin: germline. Not counted in ClinVar's aggregate classification.
Comment: This variant is classified as benign based on ACMG/AMP sequence variant interpretation guidelines (Richards et al. 2015 PMID: 25741868, with internal and published modifications).

NM_001197104.2(KMT2A):c.11513+7C>T

Genes: TTC36-AS1 (TTC36 and KMT2A antisense RNA 1; minus strand), KMT2A (lysine methyltransferase 2A; plus strand). Cytogenetic location: 11q23.3.
Variant type: single nucleotide variant.
Coding change: c.11513+7C>T on transcript NM_001197104.2 (MANE Select); 7 bases into the intron after coding-DNA position 11513, C replaced by T.
Molecular consequence: intron variant.
Genome position (GRCh38, 1-based): chr11:118,520,892, C>T. VCF-style: chr11-118520892-C-T. GRCh37 (hg19) VCF-style: chr11-118391607-C-T.
Other names: c.11504+7C>T (NM_005933.4).
Identifiers: ClinVar variation 743503 (VCV000743503.13), dbSNP rs184171418, ClinGen allele CA6304982.